The following is an entry in ClinVar:

ClinVar aggregate classification (germline): Benign/Likely benign. Review status: criteria provided, multiple submitters, no conflicts (2 of 4 stars). 9 submissions from 9 submitters: Benign (5); Likely benign (3). 1 of the submissions does not count toward it. Last evaluated 2026-02-04.

Conditions:
Primary hyperoxaluria, type I (HP1). Also called: OXALOSIS I; GLYCOLIC ACIDURIA; HEPATIC AGT DEFICIENCY; Primary hyperoxaluria type 1. Identifiers: Orphanet 416, Orphanet 93598, MedGen C0268164, MONDO:0009823, OMIM 259900. Disease mechanism: loss of function.

Allele frequency attached by ClinVar (database versions not stated): gnomAD 0.00233 and 0.00410; gnomAD exomes 0.01122 and 0.00454; 1000 Genomes Project 0.02596; TOPMed 0.00416; ExAC 0.01143; 1000 Genomes Project 30x 0.02483; ESP Exome Variant Server 0.00069.
gnomAD v4.1: 7,305 of 1,613,450 alleles (0.45%); highest among the groups gnomAD compares: East Asian, 7.6%; 207 homozygotes.

Submissions (9):

Labcorp Genetics (formerly Invitae), Labcorp
Classification: Benign. Last evaluated: 2026-02-04. Review status: criteria provided, single submitter. Criteria: Invitae Variant Classification Sherloc (09022015). Collection method: clinical testing. Allele origin: germline.

Blueprint Genetics
Classification: Likely benign. Last evaluated: 2024-11-25. Review status: criteria provided, single submitter. Criteria: ACMG Guidelines, 2015. Collection method: clinical testing. Allele origin: germline.

Clinical Biochemistry Laboratory, Health Services Laboratory
Classification: Benign for Primary hyperoxaluria, type I. Last evaluated: 2023-12-01. Review status: criteria provided, single submitter. Criteria: ACMG Guidelines, 2015. Collection method: clinical testing. Allele origin: germline. Affected: yes.
Comment: Found in cis with c.557C>T in two unrelated individuals. ACMG:BS1 BS2 BP6

Fulgent Genetics
Classification: Benign for Primary hyperoxaluria, type I. Last evaluated: 2022-04-16. Review status: criteria provided, single submitter. Criteria: ACMG Guidelines, 2015. Collection method: clinical testing. Allele origin: unknown.

GeneDx
Classification: Benign. Last evaluated: 2019-06-18. Review status: criteria provided, single submitter. Criteria: GeneDx Variant Classification Process June 2021. Collection method: clinical testing. Allele origin: germline. Affected: yes.
Comment: This variant is associated with the following publications: (PMID: 20981092, 24205397, 21228398, 19245173, 27884173, 28906061, 30341509, 33457257)

Illumina Laboratory Services, Illumina
Classification: Likely benign for Primary hyperoxaluria, type I. Last evaluated: 2017-04-27. Review status: criteria provided, single submitter. Criteria: ICSL Variant Classification Criteria 13 December 2019. Collection method: clinical testing. Allele origin: germline.
Comment: This variant was observed as part of a predisposition screen in an ostensibly healthy population. A literature search was performed for the gene, cDNA change, and amino acid change (where applicable). No publications were found based on this search. Allele frequency data from public databases allowed determination this variant is unlikely to cause disease. Therefore, this variant is classified as likely benign.

Eurofins Ntd Llc (ga)
Classification: Benign. Last evaluated: 2015-08-24. Review status: criteria provided, single submitter. Criteria: EGL Classification Definitions 2015. Collection method: clinical testing. Allele origin: germline. Observed: 1 variant allele, 1 heterozygote.

Breakthrough Genomics
Classification: Likely benign. Review status: criteria provided, single submitter. Criteria: ACMG Guidelines, 2015. Collection method: not provided. Allele origin: germline. Inheritance: Autosomal recessive inheritance. Affected: yes.

Natera, Inc.
Classification: Benign for Primary hyperoxaluria type I. Last evaluated: 2019-11-15. Review status: no assertion criteria provided. Collection method: clinical testing. Allele origin: germline. Not counted in ClinVar's aggregate classification.

NM_000030.3(AGXT):c.590G>A (p.Arg197Gln)

Gene: AGXT (alanine--glyoxylate aminotransferase; plus strand). Cytogenetic location: 2q37.3.
Variant type: single nucleotide variant.
Coding change: c.590G>A on transcript NM_000030.3 (MANE Select); coding-DNA position 590, G replaced by A.
Protein change: p.Arg197Gln; replaces arginine 197 with glutamine.
Molecular consequence: missense variant.
Genome position (GRCh38, 1-based): chr2:240,873,044, G>A. VCF-style: chr2-240873044-G-A. GRCh37 (hg19) VCF-style: chr2-241812461-G-A.
Other names: NP_000021.1:p.Arg197Leu; short protein forms R197Q.
Identifiers: ClinVar variation 92312 (VCV000092312.32), dbSNP rs34664134, ClinGen allele CA275552.